The following is an entry in ClinVar:

ClinVar aggregate classification (germline): Benign/Likely benign. Review status: criteria provided, multiple submitters, no conflicts (2 of 4 stars). 2 submissions from 2 submitters: Benign (1); Likely benign (1). Last evaluated 2024-12-16.

Conditions:
Seizures, benign familial infantile, 3 (BFIS3). Also called: CONVULSIONS, BENIGN FAMILIAL INFANTILE, 3; Familial neonatal seizures. Identifiers: Orphanet 140927, Orphanet 306, MedGen C1843140, MONDO:0011904, OMIM 607745.
Developmental and epileptic encephalopathy, 11 (DEE11). Also called: Early infantile epileptic encephalopathy 11. Identifiers: Orphanet 1934, MedGen C3150987, MONDO:0013388, OMIM 613721.

Allele frequency attached by ClinVar (database versions not stated): gnomAD exomes below 0.00001.
gnomAD v4.1: 1 of 1,614,182 alleles (0.000062%); highest among the groups gnomAD compares: Non-Finnish European, 0.000085%; no homozygotes.

Submissions (2):

Labcorp Genetics (formerly Invitae), Labcorp
Classification: Likely benign for Seizures, benign familial infantile, 3; Developmental and epileptic encephalopathy, 11. Last evaluated: 2024-12-16. Review status: criteria provided, single submitter. Criteria: Invitae Variant Classification Sherloc (09022015). Collection method: clinical testing. Allele origin: germline.

GeneDx
Classification: Benign. Last evaluated: 2014-12-17. Review status: criteria provided, single submitter. Criteria: GeneDx Variant Classification (06012015). Collection method: clinical testing. Allele origin: germline. Affected: yes.
Comment: This variant is considered likely benign or benign based on one or more of the following criteria: it is a conservative change, it occurs at a poorly conserved position in the protein, it is predicted to be benign by multiple in silico algorithms, and/or has population frequency not consistent with disease.

NM_001040142.2(SCN2A):c.177A>C (p.Gly59=)

Gene: SCN2A (sodium voltage-gated channel alpha subunit 2; plus strand). Cytogenetic location: 2q24.3.
Variant type: single nucleotide variant.
Coding change: c.177A>C on transcript NM_001040142.2 (MANE Select); coding-DNA position 177, A replaced by C.
Protein change: p.Gly59=; no amino-acid change (glycine 59 retained).
Molecular consequence: synonymous variant.
Genome position (GRCh38, 1-based): chr2:165,296,000, A>C. VCF-style: chr2-165296000-A-C. GRCh37 (hg19) VCF-style: chr2-166152510-A-C.
Other names: p.G59G:GGA>GGC; c.177A>C, p.Gly59= (NM_001040143.2, NM_001371246.1, NM_001371247.1 and 1 more transcripts).
Identifiers: ClinVar variation 206960 (VCV000206960.6), dbSNP rs796053110, ClinGen allele CA317856.